The following is an entry in ClinVar:

ClinVar aggregate classification (germline): Uncertain significance. Review status: criteria provided, multiple submitters, no conflicts (2 of 4 stars). 2 submissions from 2 submitters: Uncertain significance (2). Last evaluated 2023-06-26.

Conditions:
INPP5E-related disorder. Also called: INPP5E-related condition.

Allele frequency attached by ClinVar (database versions not stated): TOPMed 0.00001.
gnomAD v4.1: 8 of 1,551,674 alleles (0.00052%); highest among the groups gnomAD compares: Admixed American, 0.0059%; no homozygotes.

Submissions (2):

Blueprint Genetics
Classification: Uncertain significance. Last evaluated: 2023-06-26. Review status: criteria provided, single submitter. Criteria: ACMG Guidelines, 2015. Collection method: clinical testing. Allele origin: germline.

PreventionGenetics, part of Exact Sciences
Classification: Uncertain significance for INPP5E-related condition. Last evaluated: 2023-01-31. Review status: criteria provided, single submitter. Criteria: ACMG Guidelines, 2015. Collection method: clinical testing. Allele origin: germline.
Comment: The INPP5E c.1774C>T variant is predicted to result in the amino acid substitution p.Arg592Trp. To our knowledge, this variant has not been reported in the literature. An alternate substitution impacting the same amino acid (p.Arg592Gly) has been reported along with a pathogenic INPP5E variant in two relatives with a diagnosis of Joubert syndrome; the variants were reported to segregate with disease within the family (Supplemental Table 1 in Stone et al. 2017. PubMed ID: 28559085). Th c.1774C>T (p.Arg592Trp) variant is reported in 0.012% of alleles in individuals of Latino descent in gnomAD. At this time, the clinical significance of this variant is uncertain due to the absence of conclusive functional and genetic evidence.

NM_019892.6(INPP5E):c.1774C>T (p.Arg592Trp)

Gene: INPP5E (inositol polyphosphate-5-phosphatase E; minus strand). Cytogenetic location: 9q34.3.
Variant type: single nucleotide variant.
Coding change: c.1774C>T on transcript NM_019892.6 (MANE Select); coding-DNA position 1774, C replaced by T.
Protein change: p.Arg592Trp; replaces arginine 592 with tryptophan.
Molecular consequence: missense variant.
Genome position (GRCh38, 1-based): chr9:136,430,305, G>A on the plus strand (C>T on the coding strand, the complement: INPP5E is on the minus strand). VCF-style: chr9-136430305-G-A. GRCh37 (hg19) VCF-style: chr9-139324757-G-A.
Other names: c.1771C>T, p.Arg591Trp (NM_001318502.2); short protein forms R591W, R592W.
Identifiers: ClinVar variation 2634273 (VCV002634273.2), dbSNP rs925789744, ClinGen allele CA201638278.